The following is an entry in ClinVar:

ClinVar aggregate classification (germline): Uncertain significance (1 of 4 stars; one submission).

Allele frequency attached by ClinVar (database versions not stated): TOPMed 0.00002; gnomAD 0.00003; ExAC 0.00006; ESP Exome Variant Server 0.00008.
gnomAD v4.1: 18 of 1,585,462 alleles (0.0011%); highest among the groups gnomAD compares: Non-Finnish European, 0.0014%; no homozygotes.

Submission:

Labcorp Genetics (formerly Invitae), Labcorp
Classification: Uncertain significance. Last evaluated: 2024-05-06. Review status: criteria provided, single submitter. Criteria: Invitae Variant Classification Sherloc (09022015). Collection method: clinical testing. Allele origin: germline.
Comment: This sequence change replaces alanine, which is neutral and non-polar, with threonine, which is neutral and polar, at codon 832 of the MYH14 protein (p.Ala832Thr). The frequency data for this variant in the population databases is considered unreliable, as metrics indicate poor data quality at this position in the gnomAD database. This variant has not been reported in the literature in individuals affected with MYH14-related conditions. ClinVar contains an entry for this variant (Variation ID: 1485900). Advanced modeling of protein sequence and biophysical properties (such as structural, functional, and spatial information, amino acid conservation, physicochemical variation, residue mobility, and thermodynamic stability) performed at Invitae indicates that this missense variant is expected to disrupt MYH14 protein function with a positive predictive value of 80%. In summary, the available evidence is currently insufficient to determine the role of this variant in disease. Therefore, it has been classified as a Variant of Uncertain Significance.

NM_001145809.2(MYH14):c.2617G>A (p.Ala873Thr)

Gene: MYH14 (myosin heavy chain 14; plus strand). Cytogenetic location: 19q13.33.
Variant type: single nucleotide variant.
Coding change: c.2617G>A on transcript NM_001145809.2 (MANE Select); coding-DNA position 2617, G replaced by A.
Protein change: p.Ala873Thr; replaces alanine 873 with threonine.
Molecular consequence: missense variant.
Genome position (GRCh38, 1-based): chr19:50,263,343, G>A. VCF-style: chr19-50263343-G-A. GRCh37 (hg19) VCF-style: chr19-50766600-G-A.
Other names: c.2518G>A, p.Ala840Thr (NM_001077186.2); c.2494G>A, p.Ala832Thr (NM_024729.4); short protein forms A840T, A832T, A873T.
Identifiers: ClinVar variation 1485900 (VCV001485900.8), dbSNP rs376582564, ClinGen allele CA9593017.
Genomic context (GRCh38, chr19:50,263,343, plus strand): 5'-CTCTGCCCCTCACCCATTTCCCCACCCAGGGCCTTCCAGAAGCGCCAGCAGCAGCAGAGC[G>A]CCCTGAGGGTGATGCAGCGGAACTGCGCGGCCTACCTCAAGCTGAGACACTGGCAGTGGT-3'
Protein context (NP_001139281.1, residues 863-883): AFQKRQQQQS[Ala873Thr]LRVMQRNCAA